The following is an entry in ClinVar:

ClinVar aggregate classification (germline): Likely benign. Review status: criteria provided, multiple submitters, no conflicts (2 of 4 stars). 2 submissions from 2 submitters: Likely benign (2). Last evaluated 2026-04-28.

Conditions:
Charcot-Marie-Tooth disease type 2R. Also called: Charcot-Marie-Tooth disease, axonal, type 2R; CHARCOT-MARIE-TOOTH DISEASE, AXONAL, AUTOSOMAL RECESSIVE, TYPE 2R; CHARCOT-MARIE-TOOTH NEUROPATHY, TYPE 2R. Identifiers: Orphanet 397968, MedGen C3809655, MONDO:0014208, OMIM 615490.
TRIM2-related disorder. Also called: TRIM2-related condition.

Allele frequency attached by ClinVar (database versions not stated): gnomAD exomes 0.00008 and 0.00024; gnomAD 0.00010 and 0.00011; 1000 Genomes Project 30x 0.00016; ExAC 0.00016; 1000 Genomes Project 0.00020; TOPMed 0.00025.
gnomAD v4.1: 124 of 1,597,822 alleles (0.0078%); highest among the groups gnomAD compares: Admixed American, 0.11%; no homozygotes.

Submissions (2):

PreventionGenetics, part of Exact Sciences
Classification: Likely benign for TRIM2-related condition. Last evaluated: 2026-04-28. Review status: criteria provided, single submitter. Criteria: ACMG Guidelines, 2015. Collection method: clinical testing. Allele origin: germline.
Comment: This variant is classified as likely benign based on ACMG/AMP sequence variant interpretation guidelines (Richards et al. 2015 PMID: 25741868, with internal and published modifications).

Labcorp Genetics (formerly Invitae), Labcorp
Classification: Likely benign for Charcot-Marie-Tooth disease type 2R. Last evaluated: 2026-01-12. Review status: criteria provided, single submitter. Criteria: Invitae Variant Classification Sherloc (09022015). Collection method: clinical testing. Allele origin: germline.

NM_015271.5(TRIM2):c.605+9C>A

Gene: TRIM2 (tripartite motif containing 2; plus strand). Cytogenetic location: 4q31.3.
Variant type: single nucleotide variant.
Coding change: c.605+9C>A on transcript NM_015271.5 (MANE Select); 9 bases into the intron after coding-DNA position 605, C replaced by A.
Molecular consequence: intron variant.
Genome position (GRCh38, 1-based): chr4:153,293,142, C>A. VCF-style: chr4-153293142-C-A. GRCh37 (hg19) VCF-style: chr4-154214294-C-A.
Other names: c.524+9C>A (NM_001375517.1, NM_001375514.1, NM_001351056.2 and 5 more transcripts); c.266+9C>A (NM_001375525.1, NM_001375523.1, NM_001375522.1); c.149+9C>A (NM_001351057.2); c.698+9C>A (NM_001375488.1); c.605+9C>A (NM_001375490.1, NM_015271.4); c.454-2171C>A (NM_001375519.1); c.695+9C>A (NM_001375489.1); c.602+9C>A (NM_001375491.1); and 3 more.
Identifiers: ClinVar variation 705358 (VCV000705358.12), dbSNP rs532381432, ClinGen allele CA3108580.